The following is an entry in ClinVar:

ClinVar aggregate classification (germline): Uncertain significance (1 of 4 stars; one submission).

Conditions:
Hereditary cancer-predisposing syndrome. Also called: Neoplastic Syndromes, Hereditary; Hereditary Cancer Syndrome; Tumor predisposition; Hereditary neoplastic syndrome. Identifiers: Orphanet 140162, MedGen C0027672, MeSH D009386, MONDO:0015356.

Submission:

Ambry Genetics
Classification: Uncertain significance for Hereditary cancer-predisposing syndrome. Last evaluated: 2025-02-10. Review status: criteria provided, single submitter. Criteria: Ambry Variant Classification Scheme 2023. Collection method: clinical testing. Allele origin: germline.
Comment: The c.1496_1498delCTC variant (also known as p.P499del) is located in coding exon 13 of the TSC1 gene. This variant results from an in-frame CTC deletion at nucleotide positions 1496 to 1498. This results in the in-frame deletion of a proline at codon 499. This amino acid position is not well conserved in available vertebrate species. In addition, this alteration is predicted to be neutral by in silico analysis (Choi Y et al. PLoS ONE. 2012; 7(10):e46688). Based on the available evidence, the clinical significance of this variant remains unclear.

NM_000368.5(TSC1):c.1496_1498del (p.Pro499del)

Gene: TSC1 (TSC complex subunit 1; minus strand). Cytogenetic location: 9q34.13.
Variant type: Deletion.
Coding change: c.1496_1498del on transcript NM_000368.5 (MANE Select); coding-DNA positions 1496 to 1498, 3 bases deleted (CTC; older notation c.1496_1498delCTC).
Protein change: p.Pro499del; deletes proline 499.
Molecular consequence: inframe deletion. On other transcripts: non-coding transcript variant (5), inframe indel (1).
Genome position (GRCh38, 1-based): chr9:132,906,080-132,906,082, GAG deleted on the plus strand (CTC on the coding strand, the reverse complement: TSC1 is on the minus strand); deleting any 3 consecutive bases within chr9:132,906,080-132,906,084 gives the same sequence; the c. name uses the placement nearest the transcript's 3' end. VCF-style (leftmost placement, unchanged base first): chr9-132906079-CGAG-C. GRCh37 (hg19) VCF-style: chr9-135781466-CGAG-C.
Other names: c.545_547del, p.Pro182del (NM_001406626.1); c.443_445del, p.Pro148del (NM_001406629.1, NM_001406630.1); c.542_544del, p.Pro181del (NM_001406627.1, NM_001406628.1); c.1493_1495del, p.Pro498del (NM_001162426.2, NM_001406597.1, NM_001406598.1 and 6 more transcripts); c.1343_1345del, p.Pro448del (NM_001162427.2, NM_001406610.1); c.1133_1135del, p.Pro378del (NM_001362177.2, NM_001406614.1, NM_001406615.1 and 5 more transcripts); c.1496_1498del, p.Pro499del (NM_001406592.1, NM_001406593.1, NM_001406594.1 and 7 more transcripts); c.1340_1342del, p.Pro447del (NM_001406611.1, NM_001406612.1, NM_001406613.1); and 2 more; short protein forms P148del, P182del, P378del, P181del, P447del, P448del, P498del, P377del.
Identifiers: ClinVar variation 3811223 (VCV003811223.1).